The following is an entry in ClinVar:

ClinVar aggregate classification (germline): Uncertain significance. Review status: criteria provided, multiple submitters, no conflicts (2 of 4 stars). 2 submissions from 2 submitters: Uncertain significance (2). Last evaluated 2024-07-29.

Conditions:
Long QT syndrome (LQTS). Identifiers: MedGen C0023976, MeSH D008133, MONDO:0002442. Disease mechanism: loss of function. Inheritance: Various modes of inheritance.

Allele frequency attached by ClinVar (database versions not stated): gnomAD 0.00001; TOPMed 0.00001.

Submissions (2):

All of Us Research Program, National Institutes of Health
Classification: Uncertain significance for Long QT syndrome. Last evaluated: 2024-07-29. Review status: criteria provided, single submitter. Criteria: ACMG Guidelines, 2015. Collection method: clinical testing. Allele origin: germline. Inheritance: Autosomal dominant inheritance. Observed: 2 variant alleles, 2 heterozygotes.
Comment: This missense variant replaces methionine with leucine at codon 159 of the KCNQ1 protein. Computational prediction is inconclusive regarding the impact of this variant on protein structure and function (internally defined REVEL score threshold 0.5 < inconclusive < 0.7, PMID: 27666373). Splice site prediction tools suggest that this variant may impact RNA splicing. To our knowledge, functional studies have not been reported for this variant. This variant has not been reported in individuals affected with KCNQ1-related disorders in the literature. This variant has not been identified in the general population by the Genome Aggregation Database (gnomAD). The available evidence is insufficient to determine the role of this variant in disease conclusively. Therefore, this variant is classified as a Variant of Uncertain Significance.

This study involves interpretation of variants in research participants for the purpose of population health screening. Participant phenotype was not available at the time of variant classification. Additional details can be found in publication PMID: 35346344, PMCID: PMC8962531

Labcorp Genetics (formerly Invitae), Labcorp
Classification: Uncertain significance for Long QT syndrome. Last evaluated: 2018-10-11. Review status: criteria provided, single submitter. Criteria: Invitae Variant Classification Sherloc (09022015). Collection method: clinical testing. Allele origin: germline.
Comment: This sequence change replaces methionine with leucine at codon 159 of the KCNQ1 protein (p.Met159Leu). The methionine residue is highly conserved and there is a small physicochemical difference between methionine and leucine. This variant is not present in population databases (ExAC no frequency). This variant has not been reported in the literature in individuals with KCNQ1-related disease. Algorithms developed to predict the effect of missense changes on protein structure and function are either unavailable or do not agree on the potential impact of this missense change (SIFT: "Deleterious"; PolyPhen-2: "Benign"; Align-GVGD: "Class C0"). Algorithms developed to predict the effect of sequence changes on RNA splicing suggest that this variant may create or strengthen a splice site, but this prediction has not been confirmed by published transcriptional studies. In summary, the available evidence is currently insufficient to determine the role of this variant in disease. Therefore, it has been classified as a Variant of Uncertain Significance.

NM_000218.3(KCNQ1):c.475A>T (p.Met159Leu)

Gene: KCNQ1 (potassium voltage-gated channel subfamily Q member 1; plus strand). Cytogenetic location: 11p15.5.
Variant type: single nucleotide variant.
Coding change: c.475A>T on transcript NM_000218.3 (MANE Select); coding-DNA position 475, A replaced by T.
Protein change: p.Met159Leu; replaces methionine 159 with leucine.
Molecular consequence: missense variant.
Genome position (GRCh38, 1-based): chr11:2,528,016, A>T. VCF-style: chr11-2528016-A-T. GRCh37 (hg19) VCF-style: chr11-2549246-A-T.
Other names: c.475A>T, p.Met159Leu (NM_001406836.1, NM_001406838.1); c.205A>T, p.Met69Leu (NM_001406837.1); c.94A>T, p.Met32Leu (NM_181798.2); short protein forms M159L, M32L, M69L.
Identifiers: ClinVar variation 664331 (VCV000664331.12), dbSNP rs1589931165, ClinGen allele CA379122240.